The following is an entry in ClinVar:

ClinVar aggregate classification (germline): Pathogenic. Review status: criteria provided, multiple submitters, no conflicts (2 of 4 stars). 2 submissions from 2 submitters: Pathogenic (2). Last evaluated 2025-04-07.

Conditions:
Microcephaly, normal intelligence and immunodeficiency (NBS). Also called: IMMUNODEFICIENCY, MICROCEPHALY, AND CHROMOSOMAL INSTABILITY; SEEMANOVA SYNDROME II; Nijmegen breakage syndrome; Microcephaly with normal intelligence immunodeficiency and lymphoreticular malignancies; Nonsyndromal microcephaly autosomal recessive with normal intelligence; Seemanova syndrome 2. Identifiers: Orphanet 647, MedGen C0398791, MONDO:0009623, OMIM 251260.

Submissions (2):

Myriad Genetics, Inc.
Classification: Pathogenic for Microcephaly, normal intelligence and immunodeficiency. Last evaluated: 2025-04-07. Review status: criteria provided, single submitter. Criteria: Myriad Autosomal Dominant, Autosomal Recessive and X-Linked Classification Criteria (2023). Collection method: clinical testing. Allele origin: unknown.
Comment: NM_002485.4(NBN):c.499delT(C167Vfs*6) is expected to be pathogenic in the context of Nijmegen breakage syndrome. This variant is predicted to lead to an abnormal or absent protein product due to the creation of a premature termination codon in NBN, a gene where loss-of-function variants are known to be pathogenic. Please note: this variant was assessed in the context of healthy population screening.

Labcorp Genetics (formerly Invitae), Labcorp
Classification: Pathogenic for Microcephaly, normal intelligence and immunodeficiency. Last evaluated: 2024-04-16. Review status: criteria provided, single submitter. Criteria: Invitae Variant Classification Sherloc (09022015). Collection method: clinical testing. Allele origin: germline.
Comment: This sequence change creates a premature translational stop signal (p.Cys167Valfs*6) in the NBN gene. It is expected to result in an absent or disrupted protein product. Loss-of-function variants in NBN are known to be pathogenic (PMID: 9590180, 16415040). This variant is not present in population databases (gnomAD no frequency). This variant has not been reported in the literature in individuals affected with NBN-related conditions. For these reasons, this variant has been classified as Pathogenic.

Literature cited by the submitters: PubMed 9590180 (cited by Labcorp Genetics (formerly Invitae), Labcorp); PubMed 16415040 (cited by Labcorp Genetics (formerly Invitae), Labcorp).

NM_002485.5(NBN):c.499del (p.Cys167fs)

Gene: NBN (nibrin; minus strand). Cytogenetic location: 8q21.3.
Variant type: Deletion.
Coding change: c.499del on transcript NM_002485.5 (MANE Select); coding-DNA position 499, one base deleted (T; older notation c.499delT).
Protein change: p.Cys167fs; shifts the reading frame from cysteine 167.
Molecular consequence: frameshift variant.
Genome position (GRCh38, 1-based): chr8:89,978,305, A deleted on the plus strand (T on the coding strand, the reverse complement: NBN is on the minus strand); the first of 3 consecutive A bases (chr8:89,978,305-89,978,307); deleting any one gives the same sequence. VCF-style (leftmost placement, unchanged base first): chr8-89978304-CA-C. GRCh37 (hg19) VCF-style: chr8-90990532-CA-C.
Other names: c.253del, p.Cys85fs (NM_001024688.3); short protein forms C85fs, C167fs.
Identifiers: ClinVar variation 3685853 (VCV003685853.3).